The following is an entry in ClinVar:

ClinVar aggregate classification (germline): Conflicting classifications of pathogenicity. Review status: criteria provided, conflicting classifications (1 of 4 stars). 2 submissions from 2 submitters: Uncertain significance (1); Likely benign (1). Last evaluated 2024-01-18.

Conditions:
Hereditary breast ovarian cancer syndrome. Also called: Hereditary breast and/or ovarian cancer syndrome; BRCA1- and BRCA2-Associated Hereditary Breast and Ovarian Cancer; Hereditary breast and ovarian cancer syndrome; Hereditary breast and ovarian cancer; Hereditary breast and ovarian cancer syndrome (HBOC); Breast and ovarian cancer. Identifiers: Orphanet 145, MedGen C0677776, MeSH D061325, MONDO:0003582. Disease mechanism: loss of function.
Hereditary cancer-predisposing syndrome. Also called: Tumor predisposition; Hereditary Cancer Syndrome; Hereditary neoplastic syndrome; Neoplastic Syndromes, Hereditary. Identifiers: Orphanet 140162, MedGen C0027672, MeSH D009386, MONDO:0015356.

Submissions (3):

Ambry Genetics
Classification: Likely benign for Hereditary cancer-predisposing syndrome. Last evaluated: 2024-01-18. Review status: criteria provided, single submitter. Criteria: Ambry Variant Classification Scheme 2023. Collection method: clinical testing. Allele origin: germline.

Labcorp Genetics (formerly Invitae), Labcorp
Classification: Uncertain significance for Hereditary breast ovarian cancer syndrome. Last evaluated: 2022-08-31. Review status: criteria provided, single submitter. Criteria: Invitae Variant Classification Sherloc (09022015). Collection method: clinical testing. Allele origin: germline.
Comment: In summary, the available evidence is currently insufficient to determine the role of this variant in disease. Therefore, it has been classified as a Variant of Uncertain Significance. Advanced modeling of protein sequence and biophysical properties (such as structural, functional, and spatial information, amino acid conservation, physicochemical variation, residue mobility, and thermodynamic stability) performed at Invitae indicates that this missense variant is not expected to disrupt BRCA1 protein function. ClinVar contains an entry for this variant (Variation ID: 865708). This variant has not been reported in the literature in individuals affected with BRCA1-related conditions. This variant is not present in population databases (gnomAD no frequency). This sequence change replaces asparagine, which is neutral and polar, with serine, which is neutral and polar, at codon 1647 of the BRCA1 protein (p.Asn1647Ser).

Brotman Baty Institute, University of Washington
No classification provided (evidence only). Condition: Breast-ovarian cancer, familial 1. Review status: no classification provided. Collection method: in vitro. Allele origin: not applicable. Functional consequence: functionally_normal. Not counted in ClinVar's aggregate classification.
ClinVar note: "not provided" was previously submitted as the classification for the variant. However, the classification appeared to be based only on an observation of functional data so it was converted to no classification on 2025-07-30.

Literature cited by the submitters: PubMed 30209399 (cited by Ambry Genetics).

NM_007294.4(BRCA1):c.4940A>G (p.Asn1647Ser)

Gene: BRCA1 (BRCA1 DNA repair associated; minus strand). Cytogenetic location: 17q21.31.
Variant type: single nucleotide variant.
Coding change: c.4940A>G on transcript NM_007294.4 (MANE Select); coding-DNA position 4940, A replaced by G.
Protein change: p.Asn1647Ser; replaces asparagine 1647 with serine.
Molecular consequence: missense variant. On other transcripts: non-coding transcript variant (1).
Genome position (GRCh38, 1-based): chr17:43,070,974, T>C on the plus strand (A>G on the coding strand, the complement: BRCA1 is on the minus strand). VCF-style: chr17-43070974-T-C. GRCh37 (hg19) VCF-style: chr17-41222991-T-C.
Other names: c.4727A>G, p.Asn1576Ser (NM_001407571.1, NM_001407894.1, NM_001407895.1 and 12 more transcripts); c.5006A>G, p.Asn1669Ser (NM_001407581.1, NM_001407582.1); c.5003A>G, p.Asn1668Ser (NM_001407583.1, NM_001407585.1, NM_001407587.1 and 1 more transcripts); c.5000A>G, p.Asn1667Ser (NM_001407590.1, NM_001407591.1); c.4940A>G, p.Asn1647Ser (NM_001407593.1, NM_001407594.1, NM_001407596.1 and 8 more transcripts); c.4937A>G, p.Asn1646Ser (NM_001407616.1, NM_001407617.1, NM_001407618.1 and 17 more transcripts); c.4934A>G, p.Asn1645Ser (NM_001407635.1, NM_001407636.1, NM_001407637.1 and 14 more transcripts); c.4931A>G, p.Asn1644Ser (NM_001407644.1, NM_001407645.1); and 70 more; short protein forms N1600S, N1668S, N543S, N1647S, N1478S, N1535S, N1558S, N1598S.
Identifiers: ClinVar variation 865708 (VCV000865708.8), dbSNP rs2052370581, ClinGen allele CA10591644.